The following is an entry in ClinVar:

NM_001844.5(COL2A1):c.3694G>T (p.Gly1232Cys)

Gene: COL2A1 (collagen type II alpha 1 chain; minus strand). Cytogenetic location: 12q13.11.
Variant type: single nucleotide variant.
Coding change: c.3694G>T on transcript NM_001844.5 (MANE Select); coding-DNA position 3694, G replaced by T.
Protein change: p.Gly1232Cys; replaces glycine 1232 with cysteine.
Molecular consequence: missense variant.
Genome position (GRCh38, 1-based): chr12:47,975,509, C>A on the plus strand (G>T on the coding strand, the complement: COL2A1 is on the minus strand). VCF-style: chr12-47975509-C-A. GRCh37 (hg19) VCF-style: chr12-48369292-C-A.
Other names: c.3487G>T, p.Gly1163Cys (NM_033150.3); short protein forms G1232C, G1163C.
Identifiers: ClinVar variation 1422760 (VCV001422760.8), dbSNP rs1276202058, ClinGen allele CA384536889.
Genomic context (GRCh38, chr12:47,975,509, plus strand): 5'-CATGCTGTCTCAGGCCACCGGCTGCCTGGTCGGCCCGCATGTACTGCAGGGGGTCGGGGC[C>A]CTTCTCTCTCGGGCCTAAGCCAGCAAAGGCGGACATGTCGATGCCAGGGCCAGGGGGACC-3'
Protein context (NP_001835.3, residues 1222-1242): AFAGLGPREK[Gly1232Cys]PDPLQYMRAD

ClinVar aggregate classification (germline): Uncertain significance (1 of 4 stars; one submission).

Submission:

Labcorp Genetics (formerly Invitae), Labcorp
Classification: Uncertain significance. Last evaluated: 2021-09-15. Review status: criteria provided, single submitter. Criteria: Invitae Variant Classification Sherloc (09022015). Collection method: clinical testing. Allele origin: germline.
Comment: This variant has been observed in individual(s) with Kniest dysplasia (Invitae). In summary, the available evidence is currently insufficient to determine the role of this variant in disease. Therefore, it has been classified as a Variant of Uncertain Significance. Advanced modeling of protein sequence and biophysical properties (such as structural, functional, and spatial information, amino acid conservation, physicochemical variation, residue mobility, and thermodynamic stability) performed at Invitae indicates that this missense variant is not expected to disrupt COL2A1 protein function. This variant is not present in population databases (ExAC no frequency). This sequence change replaces glycine with cysteine at codon 1232 of the COL2A1 protein (p.Gly1232Cys). The glycine residue is highly conserved and there is a large physicochemical difference between glycine and cysteine.